The following is an entry in ClinVar:

ClinVar aggregate classification (germline): Uncertain significance (1 of 4 stars; one submission).

Conditions:
Familial hemophagocytic lymphohistiocytosis 4 (FHL4). Also called: STX11-Related Familial Hemophagocytic Lymphohistiocytosis (STX11-fHLH). Identifiers: Orphanet 540, MedGen C1863728, MONDO:0011336, OMIM 603552.

gnomAD v4.1: 14 of 1,614,122 alleles (0.00087%); highest among the groups gnomAD compares: Admixed American, 0.0017%; no homozygotes.

Submission:

Labcorp Genetics (formerly Invitae), Labcorp
Classification: Uncertain significance for Familial hemophagocytic lymphohistiocytosis 4. Last evaluated: 2022-08-16. Review status: criteria provided, single submitter. Criteria: Invitae Variant Classification Sherloc (09022015). Collection method: clinical testing. Allele origin: germline.
Comment: This sequence change replaces leucine, which is neutral and non-polar, with proline, which is neutral and non-polar, at codon 9 of the STX11 protein (p.Leu9Pro). This variant is present in population databases (rs34470310, gnomAD 0.003%). This variant has not been reported in the literature in individuals affected with STX11-related conditions. ClinVar contains an entry for this variant (Variation ID: 643041). Algorithms developed to predict the effect of missense changes on protein structure and function (SIFT, PolyPhen-2, Align-GVGD) all suggest that this variant is likely to be tolerated. In summary, the available evidence is currently insufficient to determine the role of this variant in disease. Therefore, it has been classified as a Variant of Uncertain Significance.

NM_003764.4(STX11):c.26T>C (p.Leu9Pro)

Gene: STX11 (syntaxin 11; plus strand). Cytogenetic location: 6q24.2.
Variant type: single nucleotide variant.
Coding change: c.26T>C on transcript NM_003764.4 (MANE Select); coding-DNA position 26, T replaced by C.
Protein change: p.Leu9Pro; replaces leucine 9 with proline.
Molecular consequence: missense variant.
Genome position (GRCh38, 1-based): chr6:144,186,653, T>C. VCF-style: chr6-144186653-T-C. GRCh37 (hg19) VCF-style: chr6-144507790-T-C.
Other names: c.26T>C (LRG_113t1); short protein forms L9P.
Identifiers: ClinVar variation 643041 (VCV000643041.6), dbSNP rs34470310, ClinGen allele CA4031600.
Genomic context (GRCh38, chr6:144,186,653, plus strand): 5'-GAAATTTAACTTCATTATCTCTACTTGCAGGCAAAATGAAAGACCGGCTAGCAGAACTTC[T>C]GGACTTGTCCAAGCAATATGACCAGCAGTTCCCAGACGGGGACGATGAGTTTGACTCGCC-3'
Protein context (NP_003755.2, residues 1-19): MKDRLAEL[Leu9Pro]DLSKQYDQQF